The following is an entry in ClinVar:

ClinVar aggregate classification (germline): Uncertain significance (1 of 4 stars; one submission).

Conditions:
Rienhoff syndrome. Also called: LOEYS-DIETZ SYNDROME 5. Identifiers: MedGen C3810012, MONDO:0014262, OMIM 615582.

Submission:

Helix
Classification: Uncertain significance for Rienhoff syndrome. Last evaluated: 2025-07-30. Review status: criteria provided, single submitter. Criteria: ACMG Guidelines, 2015. Collection method: clinical testing. Allele origin: germline. Inheritance: Autosomal dominant inheritance.
Comment: This variant (NM_003239.5:c.1147C>G p.Leu383Val) results in the substitution of leucine with valine at codon 383 in the TGFB3 protein. It is a rare variant that is absent from the large gnomAD population database (v4.1). To our knowledge, this variant has not been reported in individuals with TGFB3-related conditions. In silico prediction from REVEL (PMID: 27666373) suggests that this variant may be deleterious. In conclusion, since the available evidence is limited, the clinical significance of this variant is unclear at this time. Therefore, it is classified as a Variant of Uncertain Significance.

NM_003239.5(TGFB3):c.1147C>G (p.Leu383Val)

Gene: TGFB3 (transforming growth factor beta 3; minus strand). Cytogenetic location: 14q24.3.
Variant type: single nucleotide variant.
Coding change: c.1147C>G on transcript NM_003239.5 (MANE Select); coding-DNA position 1147, C replaced by G.
Protein change: p.Leu383Val; replaces leucine 383 with valine.
Molecular consequence: missense variant.
Genome position (GRCh38, 1-based): chr14:75,959,279, G>C on the plus strand (C>G on the coding strand, the complement: TGFB3 is on the minus strand). VCF-style: chr14-75959279-G-C. GRCh37 (hg19) VCF-style: chr14-76425622-G-C.
Other names: c.1147C>G, p.Leu383Val (NM_001329939.2); short protein forms L383V.
Identifiers: ClinVar variation 4890827 (VCV004890827.1).
Genomic context (GRCh38, chr14:75,959,279, plus strand): 5'-TGGAGAGCTGCTCCACTTTGGGGGTCCTCCCAACATAGTACAGGATGGTCAGGGGCTCCA[G>C]GTCCTGGGGCACGCAGCAAGGCGAGGCAGATGCTTCAGGGTTCAGAGTGTTGTACAGTCC-3'
Protein context (NP_003230.1, residues 373-393): SASPCCVPQD[Leu383Val]EPLTILYYVG